The following is an entry in ClinVar:

ClinVar aggregate classification (germline): Likely benign. Review status: criteria provided, multiple submitters, no conflicts (2 of 4 stars). 6 submissions from 3 submitters: Likely benign (6). Last evaluated 2025-05-25.

Conditions:
Hypokalemic periodic paralysis, type 1. Also called: HypoPP; Hypokalemic Periodic Paralysis Type 1 (AD). Identifiers: Orphanet 681, MedGen C3714580, MONDO:0042979, OMIM 170400.
Thyrotoxic periodic paralysis, susceptibility to, 1 (TTPP1). Identifiers: Orphanet 79102, MedGen C2749982, MONDO:0008570, OMIM 188580.
Malignant hyperthermia, susceptibility to, 5 (MHS5). Also called: CACNA1S-Related Malignant Hyperthermia Susceptibility. Identifiers: Orphanet 423, MedGen C1866077, MONDO:0011163, OMIM 601887.
Congenital myopathy 18. Also called: Myopathy, congenital, due to dihydropyridine receptor defect; DIHYDROPYRIDINE RECEPTOR CONGENITAL MYOPATHY; DHPR CONGENITAL MYOPATHY. Identifiers: MedGen C5830283, MONDO:0859514, OMIM 620246.

Allele frequency attached by ClinVar (database versions not stated): TOPMed below 0.00001; ExAC 0.00001.
gnomAD v4.1: 4 of 1,614,112 alleles (0.00025%); highest among the groups gnomAD compares: Admixed American, 0.0067%; no homozygotes.

Submissions (6):

Labcorp Genetics (formerly Invitae), Labcorp
Classification: Likely benign for Hypokalemic periodic paralysis, type 1; Malignant hyperthermia, susceptibility to, 5. Last evaluated: 2025-05-25. Review status: criteria provided, single submitter. Criteria: Invitae Variant Classification Sherloc (09022015). Collection method: clinical testing. Allele origin: germline.

Genome-Nilou Lab
Classification: Likely benign for Malignant hyperthermia, susceptibility to, 5. Last evaluated: 2023-04-11. Review status: criteria provided, single submitter. Criteria: ACMG Guidelines, 2015. Collection method: clinical testing. Allele origin: germline. Affected: no.

Genome-Nilou Lab
Classification: Likely benign for Thyrotoxic periodic paralysis, susceptibility to, 1. Last evaluated: 2023-04-11. Review status: criteria provided, single submitter. Criteria: ACMG Guidelines, 2015. Collection method: clinical testing. Allele origin: germline. Affected: no.

Genome-Nilou Lab
Classification: Likely benign for Congenital myopathy 18. Last evaluated: 2023-04-11. Review status: criteria provided, single submitter. Criteria: ACMG Guidelines, 2015. Collection method: clinical testing. Allele origin: germline. Affected: no.

Genome-Nilou Lab
Classification: Likely benign for Hypokalemic periodic paralysis, type 1. Last evaluated: 2023-04-11. Review status: criteria provided, single submitter. Criteria: ACMG Guidelines, 2015. Collection method: clinical testing. Allele origin: germline. Affected: no.

GeneDx
Classification: Likely benign. Last evaluated: 2017-12-01. Review status: criteria provided, single submitter. Criteria: GeneDx Variant Classification (06012015). Collection method: clinical testing. Allele origin: germline. Affected: yes.
Comment: This variant is considered likely benign or benign based on one or more of the following criteria: it is a conservative change, it occurs at a poorly conserved position in the protein, it is predicted to be benign by multiple in silico algorithms, and/or has population frequency not consistent with disease.

NM_000069.3(CACNA1S):c.1563C>A (p.Pro521=)

Gene: CACNA1S (calcium voltage-gated channel subunit alpha1 S; minus strand). Cytogenetic location: 1q32.1.
Variant type: single nucleotide variant.
Coding change: c.1563C>A on transcript NM_000069.3 (MANE Select); coding-DNA position 1563, C replaced by A.
Protein change: p.Pro521=; no amino-acid change (proline 521 retained).
Molecular consequence: synonymous variant.
Genome position (GRCh38, 1-based): chr1:201,077,935, G>T on the plus strand (C>A on the coding strand, the complement: CACNA1S is on the minus strand). VCF-style: chr1-201077935-G-T. GRCh37 (hg19) VCF-style: chr1-201047063-G-T.
Identifiers: ClinVar variation 513793 (VCV000513793.10), dbSNP rs775975526, ClinGen allele CA078401.